The following is an entry in ClinVar:

NM_001394372.1(BICRA):c.139G>A (p.Glu47Lys)

Gene: BICRA (BRD4 interacting chromatin remodeling complex associated protein; plus strand). Cytogenetic location: 19q13.33.
Variant type: single nucleotide variant.
Coding change: c.139G>A on transcript NM_001394372.1 (MANE Select); coding-DNA position 139, G replaced by A.
Protein change: p.Glu47Lys; replaces glutamic acid 47 with lysine.
Molecular consequence: missense variant.
Genome position (GRCh38, 1-based): chr19:47,675,905, G>A. VCF-style: chr19-47675905-G-A. GRCh37 (hg19) VCF-style: chr19-48179162-G-A.
Other names: c.139G>A, p.Glu47Lys (NM_015711.3); short protein forms E47K.
Identifiers: ClinVar variation 4883561 (VCV004883561.2).

ClinVar aggregate classification (germline): Uncertain significance (1 of 4 stars; one submission).

Conditions:
Coffin-Siris syndrome 12. Identifiers: MedGen C5444111, MONDO:0025699, OMIM 619325.

Submission:

Dasa
Classification: Uncertain significance for Coffin-Siris syndrome 12. Last evaluated: 2025-10-30. Review status: criteria provided, single submitter. Criteria: DASA Assertion Criteria. Collection method: clinical testing. Allele origin: germline.
Comment: NM_001394372.1(BICRA):c.139G>A (p.Glu47Lys) is a missense variant that results in the substitution of glutamic acid with lysine. This variant is absent from population databases. Computational prediction algorithms are consistent with a benign effect. The currently available literature and clinical evidence are not sufficient to establish a definitive association between this variant and the reported condition. Therefore, this variant is classified as a variant of uncertain significance.